The following is an entry in ClinVar:

NM_032578.4(MYPN):c.1868_1869delinsGA (p.Thr623Arg)

Gene: MYPN (myopalladin; plus strand). Cytogenetic location: 10q21.3.
Variant type: Indel.
Coding change: c.1868_1869delinsGA on transcript NM_032578.4 (MANE Select); coding-DNA positions 1868 to 1869, CC replaced by GA.
Protein change: p.Thr623Arg; replaces threonine 623 with arginine.
Molecular consequence: missense variant. On other transcripts: non-coding transcript variant (2).
Genome position (GRCh38, 1-based): chr10:68,166,561-68,166,562, CC replaced by GA. VCF-style: chr10-68166561-CC-GA. GRCh37 (hg19) VCF-style: chr10-69926318-CC-GA.
Other names: c.1868_1869delinsGA, p.Thr623Arg (NM_001256267.2); c.986_987delinsGA, p.Thr329Arg (NM_001256268.2); short protein forms T329R, T623R.
Identifiers: ClinVar variation 4687141 (VCV004687141.1).

ClinVar aggregate classification (germline): Uncertain significance (1 of 4 stars; one submission).

Submission:

Women's Health and Genetics/Laboratory Corporation of America, LabCorp
Classification: Uncertain significance. Last evaluated: 2025-10-21. Review status: criteria provided, single submitter. Criteria: LabCorp Variant Classification Summary - May 2015. Collection method: clinical testing. Allele origin: germline.
Comment: Variant summary: MYPN c.1868_1869delinsGA (p.Thr623Arg) results in a non-conservative amino acid change in the encoded protein sequence. Algorithms developed to predict the effect of missense changes on protein structure and function are either unavailable or do not agree on the potential impact of this missense change. The variant was absent in 1613976 control chromosomes. The available data on variant occurrences in the general population are insufficient to allow any conclusion about variant significance. To our knowledge, no occurrence of c.1868_1869delinsGA in individuals affected with MYPN-related conditions and no experimental evidence demonstrating its impact on protein function have been reported. No submitters have cited clinical-significance assessments for this variant to ClinVar. Based on the evidence outlined above, the variant was classified as uncertain significance.